The following is an entry in ClinVar:

NM_016529.6(ATP8A2):c.2314G>C (p.Ala772Pro)

Gene: ATP8A2 (ATPase phospholipid transporting 8A2). Cytogenetic location: 13q12.13.
Variant type: single nucleotide variant.
Coding change: c.2314G>C on transcript NM_016529.6 (MANE Select); coding-DNA position 2314, G replaced by C.
Protein change: p.Ala772Pro; replaces alanine 772 with proline.
Molecular consequence: missense variant.
Genome position (GRCh38, 1-based): chr13:25,699,275, G>C. VCF-style: chr13-25699275-G-C. GRCh37 (hg19) VCF-style: chr13-26273413-G-C.
Other names: c.2194G>C, p.Ala732Pro (NM_001313741.1); short protein forms A732P, A772P.
Identifiers: ClinVar variation 1339193 (VCV001339193.2), dbSNP rs764092726, ClinGen allele CA6923277.

ClinVar aggregate classification (germline): Uncertain significance (1 of 4 stars; one submission).

Conditions:
Cerebellar ataxia, impaired intellectual development, and dysequilibrium syndrome 4. Also called: Cerebellar ataxia, intellectual disability, and dysequilibrium syndrome 4; CEREBELLAR ATAXIA AND MENTAL RETARDATION WITH OR WITHOUT QUADRUPEDAL LOCOMOTION 4; Cerebellar ataxia, mental retardation, and dysequilibrium syndrome 4. Identifiers: Orphanet 1766, MedGen C3808977, MONDO:0014104, OMIM 615268.

Allele frequency attached by ClinVar (database versions not stated): ExAC 0.00001.
gnomAD v4.1: 6 of 1,613,774 alleles (0.00037%); highest among the groups gnomAD compares: South Asian, 0.0066%; no homozygotes.

Submission:

Neuberg Centre For Genomic Medicine, NCGM
Classification: Uncertain significance for Cerebellar ataxia, impaired intellectual development, and dysequilibrium syndrome 4. Review status: criteria provided, single submitter. Criteria: ACMG Guidelines, 2015. Collection method: clinical testing. Allele origin: germline. Affected: yes.
Comment: The missense variant p.A772P in ATP8A2 (NM_016529.6) has not been reported previously as a pathogenic variant nor as a benign variant, to our knowledge. The p.A772P variant is observed in 1/30,530 (0.0033%) alleles from individuals of South Asian background in gnomAD Exomes and is novel (not in any individuals) in 1000 Genomes. There is a small physicochemical difference between alanine and proline, which is not likely to impact secondary protein structure as these residues share similar properties. The p.A772P missense variant is predicted to be damaging by both SIFT and PolyPhen2. The alanine residue at codon 772 of ATP8A2 is conserved in all mammalian species. The nucleotide c.2314 in ATP8A2 is predicted conserved by GERP++ and PhyloP across 100 vertebrates. For these reasons, this variant has been classified as Uncertain Significance.